The following is an entry in ClinVar:

ClinVar aggregate classification (germline): Uncertain significance (1 of 4 stars; one submission).

Allele frequency attached by ClinVar (database versions not stated): gnomAD 0.00001; TOPMed 0.00001.
gnomAD v4.1: 8 of 1,613,978 alleles (0.0005%); highest among the groups gnomAD compares: African/African-American, 0.0027%; no homozygotes.

Submission:

Labcorp Genetics (formerly Invitae), Labcorp
Classification: Uncertain significance. Last evaluated: 2021-09-24. Review status: criteria provided, single submitter. Criteria: Invitae Variant Classification Sherloc (09022015). Collection method: clinical testing. Allele origin: germline.
Comment: This sequence change affects codon 258 of the CCBE1 mRNA. It is a 'silent' change, meaning that it does not change the encoded amino acid sequence of the CCBE1 protein. This variant is not present in population databases (ExAC no frequency). This variant has not been reported in the literature in individuals with CCBE1-related conditions. Algorithms developed to predict the effect of sequence changes on RNA splicing suggest that this variant is not likely to affect RNA splicing, but this prediction has not been confirmed by published transcriptional studies. In summary, the available evidence is currently insufficient to determine the role of this variant in disease. Therefore, it has been classified as a Variant of Uncertain Significance.

NM_133459.4(CCBE1):c.774C>T (p.Pro258=)

Gene: CCBE1 (collagen and calcium binding EGF domains 1; minus strand). Cytogenetic location: 18q21.32.
Variant type: single nucleotide variant.
Coding change: c.774C>T on transcript NM_133459.4 (MANE Select); coding-DNA position 774, C replaced by T.
Protein change: p.Pro258=; no amino-acid change (proline 258 retained).
Molecular consequence: synonymous variant.
Genome position (GRCh38, 1-based): chr18:59,447,984, G>A on the plus strand (C>T on the coding strand, the complement: CCBE1 is on the minus strand). VCF-style: chr18-59447984-G-A. GRCh37 (hg19) VCF-style: chr18-57115216-G-A.
Identifiers: ClinVar variation 1507648 (VCV001507648.5), dbSNP rs776263282, ClinGen allele CA504063053.